The following is an entry in ClinVar:

ClinVar aggregate classification (germline): Uncertain significance (1 of 4 stars; one submission).

Submission:

Labcorp Genetics (formerly Invitae), Labcorp
Classification: Uncertain significance. Last evaluated: 2025-03-12. Review status: criteria provided, single submitter. Criteria: Invitae Variant Classification Sherloc (09022015). Collection method: clinical testing. Allele origin: germline.
Comment: This sequence change replaces alanine, which is neutral and non-polar, with threonine, which is neutral and polar, at codon 87 of the ERBB2 protein (p.Ala87Thr). This variant is present in population databases (rs775382058, gnomAD 0.0009%). This variant has not been reported in the literature in individuals affected with ERBB2-related conditions. Invitae Evidence Modeling of protein sequence and biophysical properties (such as structural, functional, and spatial information, amino acid conservation, physicochemical variation, residue mobility, and thermodynamic stability) has been performed for this missense variant. However, the output from this modeling did not meet the statistical confidence thresholds required to predict the impact of this variant on ERBB2 protein function. In summary, the available evidence is currently insufficient to determine the role of this variant in disease. Therefore, it has been classified as a Variant of Uncertain Significance.

NM_004448.4(ERBB2):c.259G>A (p.Ala87Thr)

Gene: ERBB2 (erb-b2 receptor tyrosine kinase 2; plus strand). Cytogenetic location: 17q12.
Variant type: single nucleotide variant.
Coding change: c.259G>A on transcript NM_004448.4 (MANE Select); coding-DNA position 259, G replaced by A.
Protein change: p.Ala87Thr; replaces alanine 87 with threonine.
Molecular consequence: missense variant. On other transcripts: non-coding transcript variant (1), intron variant (1).
Genome position (GRCh38, 1-based): chr17:39,708,354, G>A. VCF-style: chr17-39708354-G-A. GRCh37 (hg19) VCF-style: chr17-37864607-G-A.
Other names: c.169G>A, p.Ala57Thr (NM_001005862.3, NM_001289938.2, NM_001382782.1 and 1 more transcripts); c.214G>A, p.Ala72Thr (NM_001289936.2); c.259G>A, p.Ala87Thr (NM_001289937.2, NM_001382784.1, NM_001382785.1 and 19 more transcripts); c.250G>A, p.Ala84Thr (NM_001382791.1); c.74-3574G>A (NM_001382804.1); short protein forms A72T, A84T, A87T, A57T.
Identifiers: ClinVar variation 3716744 (VCV003716744.2).